The following is an entry in ClinVar:

ClinVar aggregate classification (germline): Uncertain significance. Review status: criteria provided, multiple submitters, no conflicts (2 of 4 stars). 2 submissions from 2 submitters: Uncertain significance (2). Last evaluated 2024-04-28.

Conditions:
Hypertrophic cardiomyopathy. Also called: HYPERTROPHIC MYOCARDIOPATHY. Identifiers: Orphanet 217569, MedGen C0007194, MeSH D002312, MONDO:0005045, HP:0001639.
Cardiovascular phenotype. Identifiers: MedGen CN230736.

Submissions (2):

Ambry Genetics
Classification: Uncertain significance for Cardiovascular phenotype. Last evaluated: 2024-04-28. Review status: criteria provided, single submitter. Criteria: Ambry Variant Classification Scheme 2023. Collection method: clinical testing. Allele origin: germline.
Comment: The p.S60F variant (also known as c.179C>T), located in coding exon 2 of the PRKAG2 gene, results from a C to T substitution at nucleotide position 179. The serine at codon 60 is replaced by phenylalanine, an amino acid with highly dissimilar properties. This amino acid position is conserved. In addition, this alteration is predicted to be tolerated by in silico analysis. Based on the available evidence, the clinical significance of this variant remains unclear.

All of Us Research Program, National Institutes of Health
Classification: Uncertain significance for Hypertrophic cardiomyopathy. Last evaluated: 2023-06-26. Review status: criteria provided, single submitter. Criteria: ACMG Guidelines, 2015. Collection method: clinical testing. Allele origin: germline. Inheritance: Autosomal dominant inheritance. Observed: 1 variant allele, 1 heterozygote.
Comment: This missense variant replaces serine with phenylalanine at codon 60 of the PRKAG2 protein. Computational prediction suggests that this variant may not impact protein structure and function (internally defined REVEL score threshold <= 0.5, PMID: 27666373). To our knowledge, functional studies have not been reported for this variant. This variant has not been reported in individuals affected with PRKAG2-related disorders in the literature. This variant has not been identified in the general population by the Genome Aggregation Database (gnomAD). The available evidence is insufficient to determine the role of this variant in disease conclusively. Therefore, this variant is classified as a Variant of Uncertain Significance.

This study involves interpretation of variants in research participants for the purpose of population health screening. Participant phenotype was not available at the time of variant classification. Additional details can be found in publication PMID: 35346344, PMCID: PMC8962531

NM_016203.4(PRKAG2):c.179C>T (p.Ser60Phe)

Gene: PRKAG2 (protein kinase AMP-activated non-catalytic subunit gamma 2; minus strand). Cytogenetic location: 7q36.1.
Variant type: single nucleotide variant.
Coding change: c.179C>T on transcript NM_016203.4 (MANE Select); coding-DNA position 179, C replaced by T.
Protein change: p.Ser60Phe; replaces serine 60 with phenylalanine.
Molecular consequence: missense variant. On other transcripts: intron variant (1).
Genome position (GRCh38, 1-based): chr7:151,786,477, G>A on the plus strand (C>T on the coding strand, the complement: PRKAG2 is on the minus strand). VCF-style: chr7-151786477-G-A. GRCh37 (hg19) VCF-style: chr7-151483563-G-A.
Other names: c.47C>T, p.Ser16Phe (NM_001040633.2, NM_001407024.1, NM_001407026.1 and 2 more transcripts); c.179C>T, p.Ser60Phe (NM_001407021.1, NM_001407022.1, NM_001407023.1 and 2 more transcripts); c.148+27939C>T (NM_001407032.1); c.179C>T (NM_016203.3); short protein forms S16F, S60F.
Identifiers: ClinVar variation 3071822 (VCV003071822.2), dbSNP rs2537960616, ClinGen allele CA370069986.